The following is an entry in ClinVar:

ClinVar aggregate classification (germline): Uncertain significance. Review status: criteria provided, multiple submitters, no conflicts (2 of 4 stars). 2 submissions from 2 submitters: Uncertain significance (2). Last evaluated 2024-10-29.

Conditions:
Lafora disease. Also called: Epilepsy progressive myoclonic 2; Progressive Myoclonus Epilepsy, Lafora Type. Identifiers: Orphanet 501, MedGen C0751783, MONDO:0009697.

Submissions (2):

GeneDx
Classification: Uncertain significance. Last evaluated: 2024-10-29. Review status: criteria provided, single submitter. Criteria: GeneDx Variant Classification Process June 2021. Collection method: clinical testing. Allele origin: germline. Affected: yes.
Comment: Not observed at significant frequency in large population cohorts (gnomAD); In silico analysis indicates that this missense variant does not alter protein structure/function; Has not been previously published as pathogenic or benign to our knowledge

Labcorp Genetics (formerly Invitae), Labcorp
Classification: Uncertain significance for Lafora disease. Last evaluated: 2023-07-10. Review status: criteria provided, single submitter. Criteria: Invitae Variant Classification Sherloc (09022015). Collection method: clinical testing. Allele origin: germline.
Comment: This variant is not present in population databases (gnomAD no frequency). In summary, the available evidence is currently insufficient to determine the role of this variant in disease. Therefore, it has been classified as a Variant of Uncertain Significance. Advanced modeling of protein sequence and biophysical properties (such as structural, functional, and spatial information, amino acid conservation, physicochemical variation, residue mobility, and thermodynamic stability) performed at Invitae indicates that this missense variant is not expected to disrupt NHLRC1 protein function. ClinVar contains an entry for this variant (Variation ID: 1393791). This variant has not been reported in the literature in individuals affected with NHLRC1-related conditions. This sequence change replaces arginine, which is basic and polar, with leucine, which is neutral and non-polar, at codon 73 of the NHLRC1 protein (p.Arg73Leu).

NM_198586.3(NHLRC1):c.218G>T (p.Arg73Leu)

Gene: NHLRC1 (NHL repeat containing E3 ubiquitin protein ligase 1; minus strand). Cytogenetic location: 6p22.3.
Variant type: single nucleotide variant.
Coding change: c.218G>T on transcript NM_198586.3 (MANE Select); coding-DNA position 218, G replaced by T.
Protein change: p.Arg73Leu; replaces arginine 73 with leucine.
Molecular consequence: missense variant.
Genome position (GRCh38, 1-based): chr6:18,122,389, C>A on the plus strand (G>T on the coding strand, the complement: NHLRC1 is on the minus strand). VCF-style: chr6-18122389-C-A. GRCh37 (hg19) VCF-style: chr6-18122620-C-A.
Other names: c.218G>T (NM_198586.2); short protein forms R73L.
Identifiers: ClinVar variation 1393791 (VCV001393791.7), dbSNP rs1280991443, ClinGen allele CA362829274.